The following is an entry in ClinVar:

NM_003190.5(TAPBP):c.1016G>A (p.Arg339His)

Gene: TAPBP (TAP binding protein; minus strand). Cytogenetic location: 6p21.32.
Variant type: single nucleotide variant.
Coding change: c.1016G>A on transcript NM_003190.5 (MANE Select); coding-DNA position 1016, G replaced by A.
Protein change: p.Arg339His; replaces arginine 339 with histidine.
Molecular consequence: missense variant.
Genome position (GRCh38, 1-based): chr6:33,304,491, C>T on the plus strand (G>A on the coding strand, the complement: TAPBP is on the minus strand). VCF-style: chr6-33304491-C-T. GRCh37 (hg19) VCF-style: chr6-33272268-C-T.
Other names: c.1016G>A, p.Arg339His (NM_172208.3, NM_001410875.1); c.755G>A, p.Arg252His (NM_172209.3); short protein forms R339H, R252H.
Identifiers: ClinVar variation 2980695 (VCV002980695.4), dbSNP rs781098067, ClinGen allele CA3755741.

ClinVar aggregate classification (germline): Uncertain significance. Review status: criteria provided, multiple submitters, no conflicts (2 of 4 stars). 2 submissions from 2 submitters: Uncertain significance (2). Last evaluated 2025-08-13.

Conditions:
MHC class I deficiency. Identifiers: Orphanet 34592, MedGen C6024714, MONDO:0011476.

Allele frequency attached by ClinVar (database versions not stated): TOPMed below 0.00001; ExAC 0.00001; gnomAD exomes 0.00001; gnomAD 0.00002.
gnomAD v4.1: 15 of 1,612,888 alleles (0.00093%); highest among the groups gnomAD compares: African/African-American, 0.0027%; no homozygotes.

Submissions (2):

Ambry Genetics
Classification: Uncertain significance. Last evaluated: 2025-08-13. Review status: criteria provided, single submitter. Criteria: Ambry Variant Classification Scheme 2023. Collection method: clinical testing. Allele origin: germline.

Labcorp Genetics (formerly Invitae), Labcorp
Classification: Uncertain significance for MHC class I deficiency 1. Last evaluated: 2023-02-08. Review status: criteria provided, single submitter. Criteria: Invitae Variant Classification Sherloc (09022015). Collection method: clinical testing. Allele origin: germline.
Comment: In summary, the available evidence is currently insufficient to determine the role of this variant in disease. Therefore, it has been classified as a Variant of Uncertain Significance. Algorithms developed to predict the effect of missense changes on protein structure and function (SIFT, PolyPhen-2, Align-GVGD) all suggest that this variant is likely to be tolerated. This variant has not been reported in the literature in individuals affected with TAPBP-related conditions. This variant is present in population databases (rs781098067, gnomAD 0.003%). This sequence change replaces arginine, which is basic and polar, with histidine, which is basic and polar, at codon 339 of the TAPBP protein (p.Arg339His).